The following is an entry in ClinVar:

NM_003074.4(SMARCC1):c.1226A>T (p.Asp409Val)

Gene: SMARCC1 (SWI/SNF related BAF chromatin remodeling complex subunit C1; minus strand). Cytogenetic location: 3p21.31.
Variant type: single nucleotide variant.
Coding change: c.1226A>T on transcript NM_003074.4 (MANE Select); coding-DNA position 1226, A replaced by T.
Protein change: p.Asp409Val; replaces aspartic acid 409 with valine.
Molecular consequence: missense variant.
Genome position (GRCh38, 1-based): chr3:47,689,424, T>A on the plus strand (A>T on the coding strand, the complement: SMARCC1 is on the minus strand). VCF-style: chr3-47689424-T-A. GRCh37 (hg19) VCF-style: chr3-47730914-T-A.
Other names: short protein forms D409V.
Identifiers: ClinVar variation 4083188 (VCV004083188.1).

ClinVar aggregate classification (germline): Uncertain significance (1 of 4 stars; one submission).

gnomAD v4.1: 3 of 1,612,642 alleles (0.00019%); highest among the groups gnomAD compares: Non-Finnish European, 0.00025%; no homozygotes.

Submission:

GeneDx
Classification: Uncertain significance. Last evaluated: 2025-03-14. Review status: criteria provided, single submitter. Criteria: GeneDx Variant Classification Process June 2021. Collection method: clinical testing. Allele origin: germline. Affected: yes.
Comment: Not observed at significant frequency in large population cohorts (gnomAD); In silico analysis supports that this missense variant has a deleterious effect on protein structure/function; In silico analysis is inconclusive as to whether the variant alters gene splicing. In the absence of RNA/functional studies, the actual effect of this sequence change is unknown.; Has not been previously published as pathogenic or benign to our knowledge